The following is an entry in ClinVar:

NM_000883.4(IMPDH1):c.1261+3G>T

Gene: IMPDH1 (inosine monophosphate dehydrogenase 1; minus strand). Cytogenetic location: 7q32.1.
Variant type: single nucleotide variant.
Coding change: c.1261+3G>T on transcript NM_000883.4 (MANE Select); 3 bases into the intron after coding-DNA position 1261, G replaced by T.
Molecular consequence: intron variant.
Genome position (GRCh38, 1-based): chr7:128,396,597, C>A on the plus strand (G>T on the coding strand, the complement: IMPDH1 is on the minus strand). VCF-style: chr7-128396597-C-A. GRCh37 (hg19) VCF-style: chr7-128036651-C-A.
Other names: c.1054+3G>T (NM_001304521.2); c.1153+3G>T (NM_183243.3); c.1231+3G>T (NM_001102605.2); c.1162+3G>T (NM_001142576.2); c.931+3G>T (NM_001142575.2); c.991+3G>T (NM_001142574.2); c.1006+3G>T (NM_001142573.2).
Identifiers: ClinVar variation 1003795 (VCV001003795.6), dbSNP rs966870873, ClinGen allele CA166124060.

ClinVar aggregate classification (germline): Uncertain significance (1 of 4 stars; one submission).

Allele frequency attached by ClinVar (database versions not stated): gnomAD 0.00004; TOPMed 0.00005.
gnomAD v4.1: 37 of 1,550,576 alleles (0.0024%); highest among the groups gnomAD compares: African/African-American, 0.0041%; no homozygotes.

Submission:

Labcorp Genetics (formerly Invitae), Labcorp
Classification: Uncertain significance. Last evaluated: 2022-03-19. Review status: criteria provided, single submitter. Criteria: Invitae Variant Classification Sherloc (09022015). Collection method: clinical testing. Allele origin: germline.
Comment: This sequence change falls in intron 12 of the IMPDH1 gene. It does not directly change the encoded amino acid sequence of the IMPDH1 protein. It affects a nucleotide within the consensus splice site. In summary, the available evidence is currently insufficient to determine the role of this variant in disease. Therefore, it has been classified as a Variant of Uncertain Significance. Variants that disrupt the consensus splice site are a relatively common cause of aberrant splicing (PMID: 17576681, 9536098). Algorithms developed to predict the effect of sequence changes on RNA splicing suggest that this variant is not likely to affect RNA splicing. ClinVar contains an entry for this variant (Variation ID: 1003795). This variant has not been reported in the literature in individuals affected with IMPDH1-related conditions. This variant is present in population databases (no rsID available, gnomAD 0.001%).

Literature cited by the submitters: PubMed 17576681; PubMed 9536098.